The following is an entry in ClinVar:

NM_002769.5(PRSS1):c.104T>C (p.Val35Ala)

Genes: PRSS1 (serine protease 1; plus strand), TRB (T cell receptor beta locus; plus strand). Cytogenetic location: 7q34.
Variant type: single nucleotide variant.
Coding change: c.104T>C on transcript NM_002769.5 (MANE Select); coding-DNA position 104, T replaced by C.
Protein change: p.Val35Ala; replaces valine 35 with alanine.
Molecular consequence: missense variant. On other transcripts: non-coding transcript variant (2).
Genome position (GRCh38, 1-based): chr7:142,750,618, T>C. VCF-style: chr7-142750618-T-C. GRCh37 (hg19) VCF-style: chr7-142458469-T-C.
Other names: short protein forms V35A.
Identifiers: ClinVar variation 3222784 (VCV003222784.1), dbSNP rs2485732999, ClinGen allele CA369607235.

ClinVar aggregate classification (germline): Uncertain significance (1 of 4 stars; one submission).

Conditions:
Hereditary pancreatitis (PCTT). Also called: Hereditary chronic pancreatitis; PRSS1-Related Hereditary Pancreatitis. Identifiers: Orphanet 676, MedGen C0238339, MONDO:0008185, OMIM 167800.

Submission:

Ambry Genetics
Classification: Uncertain significance for Hereditary pancreatitis. Last evaluated: 2023-11-22. Review status: criteria provided, single submitter. Criteria: Ambry Variant Classification Scheme 2023. Collection method: clinical testing. Allele origin: germline.
Comment: The p.V35A variant (also known as c.104T>C), located in coding exon 2 of the PRSS1 gene, results from a T to C substitution at nucleotide position 104. The valine at codon 35 is replaced by alanine, an amino acid with similar properties. This amino acid position is conserved. In addition, the in silico prediction for this alteration is inconclusive. Since supporting evidence is limited at this time, the clinical significance of this alteration remains unclear.